The following is an entry in ClinVar:

NM_001873.4(CPE):c.505-4_505-3del

Gene: CPE (carboxypeptidase E; plus strand). Cytogenetic location: 4q32.3.
Variant type: Deletion.
Coding change: c.505-4_505-3del on transcript NM_001873.4 (MANE Select); 4 bases into the intron before coding-DNA position 505 through 3 bases into the intron before coding-DNA position 505, 2 bases deleted (TT; older notation c.505-4_505-3delTT).
Molecular consequence: intron variant.
Genome position (GRCh38, 1-based): chr4:165,467,684-165,467,685, TT deleted; deleting any 2 consecutive bases within chr4:165,467,674-165,467,685 gives the same sequence; the c. name uses the placement nearest the transcript's 3' end. VCF-style (leftmost placement, unchanged base first): chr4-165467673-CTT-C. GRCh37 (hg19) VCF-style: chr4-166388825-CTT-C.
Identifiers: ClinVar variation 3044911 (VCV003044911.3), dbSNP rs754217127, ClinGen allele CA3130197.

ClinVar aggregate classification (germline): Likely benign. Review status: criteria provided, single submitter (1 of 4 stars). 2 submissions from 2 submitters: Likely benign (1). 1 of the submissions does not count toward it. Last evaluated 2024-08-01.

Conditions:
CPE-related disorder. Also called: CPE-related condition.

Submissions (2):

Blueprint Genetics
Classification: Likely benign. Last evaluated: 2024-08-01. Review status: criteria provided, single submitter. Criteria: ACMG Guidelines, 2015. Collection method: clinical testing. Allele origin: germline.

PreventionGenetics, part of Exact Sciences
Classification: Likely benign for CPE-related condition. Last evaluated: 2022-04-07. Review status: no assertion criteria provided. Collection method: clinical testing. Allele origin: germline. Not counted in ClinVar's aggregate classification.
Comment: This variant is classified as likely benign based on ACMG/AMP sequence variant interpretation guidelines (Richards et al. 2015 PMID: 25741868, with internal and published modifications).